The following is an entry in ClinVar:

NM_003742.4(ABCB11):c.2616C>T (p.Ala872=)

Genes: ABCB11 (ATP binding cassette subfamily B member 11; minus strand), LOC126806400 (CDK7 strongly-dependent group 2 enhancer GRCh37_chr2:169791870-169793069; plus strand). Cytogenetic location: 2q31.1.
Variant type: single nucleotide variant.
Coding change: c.2616C>T on transcript NM_003742.4 (MANE Select); coding-DNA position 2616, C replaced by T.
Protein change: p.Ala872=; no amino-acid change (alanine 872 retained).
Molecular consequence: synonymous variant.
Genome position (GRCh38, 1-based): chr2:168,936,428, G>A on the plus strand (C>T on the coding strand, the complement: ABCB11 is on the minus strand). VCF-style: chr2-168936428-G-A. GRCh37 (hg19) VCF-style: chr2-169792938-G-A.
Other names: c.2616C>T, p.Ala872= (LRG_1199t1); c.2616C>T (NM_003742.2).
Identifiers: ClinVar variation 596838 (VCV000596838.17), dbSNP rs528640585, ClinGen allele CA1951223.
Genomic context (GRCh38, chr2:168,936,428, plus strand): 5'-AATGATCATGGCCACAGTGACGTTAGTGAAGGAATTGACTATCATCCCGATCTGAGAGCC[G>A]GCAGCCTGCAAACCAAAAAGCAATCAACCCGTCTCAGACACACAGTCGCTTTTACCAATT-3'
Protein context (NP_003733.2, residues 862-882): ATDASQVQGA[Ala872=]GSQIGMIVNS

ClinVar aggregate classification (germline): Conflicting classifications of pathogenicity. Review status: criteria provided, conflicting classifications (1 of 4 stars). 3 submissions from 3 submitters: Uncertain significance (1); Likely benign (1). 1 of the submissions does not count toward it. Last evaluated 2025-12-11.

Conditions:
ABCB11-related disorder. Also called: ABCB11-related condition.

Allele frequency attached by ClinVar (database versions not stated): gnomAD exomes 0.00001 and 0.00002; ExAC 0.00002; TOPMed 0.00002; gnomAD 0.00006; 1000 Genomes Project 0.00020; 1000 Genomes Project 30x 0.00031.
gnomAD v4.1: 20 of 1,613,788 alleles (0.0012%); highest among the groups gnomAD compares: African/African-American, 0.0093%; no homozygotes.

Submissions (3):

Labcorp Genetics (formerly Invitae), Labcorp
Classification: Likely benign. Last evaluated: 2025-12-11. Review status: criteria provided, single submitter. Criteria: Invitae Variant Classification Sherloc (09022015). Collection method: clinical testing. Allele origin: germline.

Eurofins Ntd Llc (ga)
Classification: Uncertain significance. Last evaluated: 2018-04-10. Review status: criteria provided, single submitter. Criteria: EGL ClinVar v180209 classification definitions. Collection method: clinical testing. Allele origin: germline. Observed: 1 variant allele, 1 heterozygote.

PreventionGenetics, part of Exact Sciences
Classification: Likely benign for ABCB11-related condition. Last evaluated: 2022-03-01. Review status: no assertion criteria provided. Collection method: clinical testing. Allele origin: germline. Not counted in ClinVar's aggregate classification.
Comment: This variant is classified as likely benign based on ACMG/AMP sequence variant interpretation guidelines (Richards et al. 2015 PMID: 25741868, with internal and published modifications).